The following is an entry in ClinVar:

NM_004937.3(CTNS):c.545G>A (p.Trp182Ter)

Genes: CTNS (cystinosin, lysosomal cystine transporter; plus strand), CTNS-AS1 (CTNS antisense RNA 1; minus strand). Cytogenetic location: 17p13.2.
Variant type: single nucleotide variant.
Coding change: c.545G>A on transcript NM_004937.3 (MANE Select); coding-DNA position 545, G replaced by A.
Protein change: p.Trp182Ter; replaces tryptophan 182 with a stop codon.
Molecular consequence: nonsense.
Genome position (GRCh38, 1-based): chr17:3,656,570, G>A. VCF-style: chr17-3656570-G-A. GRCh37 (hg19) VCF-style: chr17-3559864-G-A.
Other names: c.545G>A, p.Trp182Ter (NM_001031681.3, NM_001374492.1); c.104G>A, p.Trp35Ter (NM_001374493.1, NM_001374494.1, NM_001374495.1 and 1 more transcripts); short protein forms W182*, W35*.
Identifiers: ClinVar variation 2953592 (VCV002953592.3), dbSNP rs2507761574, ClinGen allele CA397691388.

ClinVar aggregate classification (germline): Pathogenic (1 of 4 stars; one submission).

Conditions:
Inborn genetic diseases. Identifiers: MedGen C0950123, MeSH D030342.
Juvenile nephropathic cystinosis. Also called: Later-Onset (Juvenile) Cystinosis; Intermediate Cystinosis; CYSTINOSIS, LATE-ONSET JUVENILE OR ADOLESCENT NEPHROPATHIC TYPE. Identifiers: Orphanet 213, Orphanet 411634, MedGen C0268626, MONDO:0009066, OMIM 219900.
Ocular cystinosis. Also called: Non-Nephropathic (Ocular) Cystinosis; Non-Nephropathic Cystinosis. Identifiers: Orphanet 213, Orphanet 411641, MedGen C2931013, MONDO:0009064, OMIM 219750.

Submission:

Labcorp Genetics (formerly Invitae), Labcorp
Classification: Pathogenic for Inborn genetic diseases; Ocular cystinosis; Juvenile nephropathic cystinosis. Last evaluated: 2023-11-05. Review status: criteria provided, single submitter. Criteria: Invitae Variant Classification Sherloc (09022015). Collection method: clinical testing. Allele origin: germline.
Comment: This sequence change creates a premature translational stop signal (p.Trp182*) in the CTNS gene. It is expected to result in an absent or disrupted protein product. Loss-of-function variants in CTNS are known to be pathogenic (PMID: 9537412, 27102039). This variant is not present in population databases (gnomAD no frequency). This variant has not been reported in the literature in individuals affected with CTNS-related conditions. For these reasons, this variant has been classified as Pathogenic.

Literature cited by the submitters: PubMed 9537412; PubMed 27102039.